The following is an entry in ClinVar:

NM_001282531.3(ADNP):c.1351A>G (p.Ile451Val)

Gene: ADNP (activity dependent neuroprotector homeobox; minus strand). Cytogenetic location: 20q13.13.
Variant type: single nucleotide variant.
Coding change: c.1351A>G on transcript NM_001282531.3 (MANE Select); coding-DNA position 1351, A replaced by G.
Protein change: p.Ile451Val; replaces isoleucine 451 with valine.
Molecular consequence: missense variant.
Genome position (GRCh38, 1-based): chr20:50,893,363, T>C on the plus strand (A>G on the coding strand, the complement: ADNP is on the minus strand). VCF-style: chr20-50893363-T-C. GRCh37 (hg19) VCF-style: chr20-49509900-T-C.
Other names: c.1351A>G, p.Ile451Val (NM_001282532.2, NM_001347511.2, NM_015339.5 and 1 more transcripts); short protein forms I451V.
Identifiers: ClinVar variation 3234880 (VCV003234880.1), dbSNP rs2515585410, ClinGen allele CA408973803.
Genomic context (GRCh38, chr20:50,893,363, plus strand): 5'-CTTTATGTTCTTTTTCGAAGTGCACACTATAGACATTTTCAGGAAAAAGCTCATTACAGA[T>C]TGTACATATTTTCCACTTTTGAGTTGAGGAAGTGTTACCTGGGGGAGGGCCTGTGGCAGC-3'
Protein context (NP_001269460.1, residues 441-461): SSTQKWKICT[Ile451Val]CNELFPENVY

ClinVar aggregate classification (germline): Uncertain significance (1 of 4 stars; one submission).

Conditions:
ADNP-related multiple congenital anomalies - intellectual disability - autism spectrum disorder. Also called: Helsmoortel-Van der Aa Syndrome; ADNP-Related Helsmoortel-Van der Aa Syndrome. Identifiers: Orphanet 404448, MedGen C4014538, MONDO:0014379, OMIM 615873. Disease mechanism: loss of function.

Allele frequency attached by ClinVar (database versions not stated): gnomAD exomes below 0.00001.
gnomAD v4.1: 1 of 1,614,220 alleles (0.000062%); highest among the groups gnomAD compares: African/African-American, 0.0013%; no homozygotes.

Submission:

Neuberg Centre For Genomic Medicine, NCGM
Classification: Uncertain significance for ADNP-related multiple congenital anomalies - intellectual disability - autism spectrum disorder. Review status: criteria provided, single submitter. Criteria: ACMG Guidelines, 2015. Collection method: clinical testing. Allele origin: germline. Inheritance: Autosomal dominant inheritance. Affected: yes.
Comment: The missense variant c.1351A>G p.Ile451Val in ADNP gene has not been reported previously as a pathogenic variant nor as a benign variant, to our knowledge. This variant is novel not in any individuals in gnomAD Exomes and 1000 Genomes. The amino acid Isoleucine at position 415 is changed to a Valine changing protein sequence and it might alter its composition and physico-chemical properties. The amino acid change p.Ile451Val in ADNP is predicted as conserved by GERP++ and PhyloP across 100 vertebrates. For these reasons, this variant has been classified as Uncertain Significance